The following is an entry in ClinVar:

ClinVar aggregate classification (germline): Likely benign (1 of 4 stars; one submission).

Submission:

GeneDx
Classification: Likely benign. Last evaluated: 2024-01-22. Review status: criteria provided, single submitter. Criteria: GeneDx Variant Classification Process June 2021. Collection method: clinical testing. Allele origin: germline. Affected: yes.
Comment: See Variant Classification Assertion Criteria.

NM_170606.3(KMT2C):c.8824A>G (p.Thr2942Ala)

Gene: KMT2C (lysine methyltransferase 2C; minus strand). Cytogenetic location: 7q36.1.
Variant type: single nucleotide variant.
Coding change: c.8824A>G on transcript NM_170606.3 (MANE Select); coding-DNA position 8824, A replaced by G.
Protein change: p.Thr2942Ala; replaces threonine 2942 with alanine.
Molecular consequence: missense variant.
Genome position (GRCh38, 1-based): chr7:152,176,629, T>C on the plus strand (A>G on the coding strand, the complement: KMT2C is on the minus strand). VCF-style: chr7-152176629-T-C. GRCh37 (hg19) VCF-style: chr7-151873714-T-C.
Other names: short protein forms T2942A.
Identifiers: ClinVar variation 1711982 (VCV001711982.3), dbSNP rs1587945178, ClinGen allele CA370077157.